The following is an entry in ClinVar:

NM_001267550.2(TTN):c.55485T>A (p.Ser18495Arg)

Genes: TTN (titin; minus strand), TTN-AS1 (TTN antisense RNA 1; plus strand). Cytogenetic location: 2q31.2.
Variant type: single nucleotide variant.
Coding change: c.55485T>A on transcript NM_001267550.2 (MANE Select); coding-DNA position 55485, T replaced by A.
Protein change: p.Ser18495Arg; replaces serine 18495 with arginine.
Molecular consequence: missense variant.
Genome position (GRCh38, 1-based): chr2:178,601,512, A>T on the plus strand (T>A on the coding strand, the complement: TTN is on the minus strand). VCF-style: chr2-178601512-A-T. GRCh37 (hg19) VCF-style: chr2-179466239-A-T.
Other names: c.50562T>A, p.Ser16854Arg (NM_001256850.1); c.28290T>A, p.Ser9430Arg (NM_003319.4); c.47781T>A, p.Ser15927Arg (NM_133378.4); c.28665T>A, p.Ser9555Arg (NM_133432.3); c.28866T>A, p.Ser9622Arg (NM_133437.4); short protein forms S16854R, S9555R, S9622R, S15927R, S18495R, S9430R.
Identifiers: ClinVar variation 4986004 (VCV004986004.1).

ClinVar aggregate classification (germline): Uncertain significance (1 of 4 stars; one submission).

Conditions:
TTN-related disorder. Also called: TTN-related disorders; TTN-related condition; TTN-related disease.

gnomAD v4.1: 1 of 1,612,846 alleles (0.000062%); highest among the groups gnomAD compares: African/African-American, 0.0013%; no homozygotes.

Submission:

PreventionGenetics, part of Exact Sciences
Classification: Uncertain significance for TTN-related condition. Last evaluated: 2025-03-28. Review status: criteria provided, single submitter. Criteria: ACMG Guidelines, 2015. Collection method: clinical testing. Allele origin: germline.
Comment: The TTN c.55485T>A variant is predicted to result in the amino acid substitution p.Ser18495Arg. To our knowledge, this variant has not been reported in the literature. This variant is reported in 0.011% of alleles in individuals of African descent in gnomAD. At this time, the clinical significance of this variant is uncertain due to the absence of conclusive functional and genetic evidence.